The following is an entry in ClinVar:

NM_004064.5(CDKN1B):c.62C>T (p.Ala21Val)

Gene: CDKN1B (cyclin dependent kinase inhibitor 1B; plus strand). Cytogenetic location: 12p13.1.
Variant type: single nucleotide variant.
Coding change: c.62C>T on transcript NM_004064.5 (MANE Select); coding-DNA position 62, C replaced by T.
Protein change: p.Ala21Val; replaces alanine 21 with valine.
Molecular consequence: missense variant.
Genome position (GRCh38, 1-based): chr12:12,717,901, C>T. VCF-style: chr12-12717901-C-T. GRCh37 (hg19) VCF-style: chr12-12870835-C-T.
Other names: short protein forms A21V.
Identifiers: ClinVar variation 1752713 (VCV001752713.6), dbSNP rs1229515408, ClinGen allele CA383968250.

ClinVar aggregate classification (germline): Uncertain significance. Review status: criteria provided, multiple submitters, no conflicts (2 of 4 stars). 2 submissions from 2 submitters: Uncertain significance (2). Last evaluated 2025-12-18.

Conditions:
Hereditary cancer-predisposing syndrome. Also called: Tumor predisposition; Hereditary Cancer Syndrome; Hereditary neoplastic syndrome; Neoplastic Syndromes, Hereditary. Identifiers: Orphanet 140162, MedGen C0027672, MeSH D009386, MONDO:0015356.
Multiple endocrine neoplasia type 4. Also called: MULTIPLE ENDOCRINE NEOPLASIA, TYPE IV. Identifiers: Orphanet 276152, MedGen C1970712, MONDO:0012552, OMIM 610755.

Allele frequency attached by ClinVar (database versions not stated): gnomAD exomes below 0.00001; TOPMed below 0.00001; gnomAD 0.00001.
gnomAD v4.1: 4 of 1,613,918 alleles (0.00025%); highest among the groups gnomAD compares: African/African-American, 0.0013%; no homozygotes.

Submissions (2):

Ambry Genetics
Classification: Uncertain significance for Hereditary cancer-predisposing syndrome. Last evaluated: 2025-12-18. Review status: criteria provided, single submitter. Criteria: Ambry Variant Classification Scheme 2023. Collection method: clinical testing. Allele origin: germline.
Comment: The p.A21V variant (also known as c.62C>T), located in coding exon 1 of the CDKN1B gene, results from a C to T substitution at nucleotide position 62. The alanine at codon 21 is replaced by valine, an amino acid with similar properties. This amino acid position is not well conserved in available vertebrate species. In addition, this alteration is predicted to be tolerated by in silico analysis. Since supporting evidence is limited at this time, the clinical significance of this alteration remains unclear.

Labcorp Genetics (formerly Invitae), Labcorp
Classification: Uncertain significance for Multiple endocrine neoplasia type 4. Last evaluated: 2025-12-09. Review status: criteria provided, single submitter. Criteria: Invitae Variant Classification Sherloc (09022015). Collection method: clinical testing. Allele origin: germline.
Comment: This sequence change replaces alanine, which is neutral and non-polar, with valine, which is neutral and non-polar, at codon 21 of the CDKN1B protein (p.Ala21Val). This variant is present in population databases (no rsID available, gnomAD 0.01%). This variant has not been reported in the literature in individuals affected with CDKN1B-related conditions. ClinVar contains an entry for this variant (Variation ID: 1752713). An algorithm developed to predict the effect of missense changes on protein structure and function (PolyPhen-2) suggests that this variant is likely to be tolerated. In summary, the available evidence is currently insufficient to determine the role of this variant in disease. Therefore, it has been classified as a Variant of Uncertain Significance.